The following is an entry in ClinVar:

NM_000336.3(SCNN1B):c.1850_1851insT (p.Asn619fs)

Gene: SCNN1B (sodium channel epithelial 1 subunit beta; plus strand). Cytogenetic location: 16p12.2.
Variant type: Insertion.
Coding change: c.1850_1851insT on transcript NM_000336.3 (MANE Select); coding-DNA positions 1850 to 1851, T inserted.
Protein change: p.Asn619fs; shifts the reading frame from asparagine 619.
Molecular consequence: frameshift variant.
Genome position: GRCh38 VCF-style: chr16-23380728-C-CT. GRCh37 (hg19) VCF-style: chr16-23392049-C-CT.
Other names: c.1742_1743insT, p.Asn583fs (NM_001410900.1); short protein forms N583fs, N619fs.
Identifiers: ClinVar variation 4731372 (VCV004731372.1).

ClinVar aggregate classification (germline): Uncertain significance (1 of 4 stars; one submission).

Submission:

Labcorp Genetics (formerly Invitae), Labcorp
Classification: Uncertain significance. Last evaluated: 2025-11-17. Review status: criteria provided, single submitter. Criteria: Invitae Variant Classification Sherloc (09022015). Collection method: clinical testing. Allele origin: germline.
Comment: This sequence change creates a premature translational stop signal (p.Asn619Glnfs*3) in the SCNN1B gene. While this is not anticipated to result in nonsense mediated decay, it is expected to disrupt the last 22 amino acid(s) of the SCNN1B protein. This variant is not present in population databases (gnomAD no frequency). This premature translational stop signal has been observed in individual(s) with autosomal dominant Liddle syndrome (PMID: 25378078, 27896928). In at least one individual the variant was observed to be de novo. Experimental studies and prediction algorithms are not available or were not evaluated, and the functional significance of this variant is currently unknown. In summary, the available evidence is currently insufficient to determine the role of this variant in disease. Therefore, it has been classified as a Variant of Uncertain Significance.

Literature cited by the submitters: PubMed 25378078; PubMed 27896928.